The following is an entry in ClinVar:

ClinVar aggregate classification (germline): Uncertain significance (1 of 4 stars; one submission).

Submission:

Labcorp Genetics (formerly Invitae), Labcorp
Classification: Uncertain significance. Last evaluated: 2024-08-28. Review status: criteria provided, single submitter. Criteria: Invitae Variant Classification Sherloc (09022015). Collection method: clinical testing. Allele origin: germline.
Comment: This sequence change replaces arginine, which is basic and polar, with lysine, which is basic and polar, at codon 1272 of the ARID1B protein (p.Arg1272Lys). This variant is not present in population databases (gnomAD no frequency). This variant has not been reported in the literature in individuals affected with ARID1B-related conditions. Invitae Evidence Modeling of protein sequence and biophysical properties (such as structural, functional, and spatial information, amino acid conservation, physicochemical variation, residue mobility, and thermodynamic stability) has been performed for this missense variant. However, the output from this modeling did not meet the statistical confidence thresholds required to predict the impact of this variant on ARID1B protein function. In summary, the available evidence is currently insufficient to determine the role of this variant in disease. Therefore, it has been classified as a Variant of Uncertain Significance.

NM_001374828.1(ARID1B):c.4184G>A (p.Arg1395Lys)

Gene: ARID1B (AT-rich interaction domain 1B; plus strand). Cytogenetic location: 6q25.3.
Variant type: single nucleotide variant.
Coding change: c.4184G>A on transcript NM_001374828.1 (MANE Select); coding-DNA position 4184, G replaced by A.
Protein change: p.Arg1395Lys; replaces arginine 1395 with lysine.
Molecular consequence: missense variant.
Genome position (GRCh38, 1-based): chr6:157,190,163, G>A. VCF-style: chr6-157190163-G-A. GRCh37 (hg19) VCF-style: chr6-157511297-G-A.
Other names: c.4025G>A, p.Arg1342Lys (NM_017519.3); c.1685G>A, p.Arg562Lys (NM_001363725.2); c.4064G>A, p.Arg1355Lys (NM_001371656.1, NM_001374820.1); short protein forms R1342K, R1355K, R1395K, R562K.
Identifiers: ClinVar variation 3606066 (VCV003606066.2).